The following is an entry in ClinVar:

NM_152564.5(VPS13B):c.3975G>A (p.Trp1325Ter)

Gene: VPS13B (vacuolar protein sorting 13 homolog B; plus strand). Cytogenetic location: 8q22.2.
Variant type: single nucleotide variant.
Coding change: c.3975G>A on transcript NM_152564.5 (MANE Select); coding-DNA position 3975, G replaced by A.
Protein change: p.Trp1325Ter; replaces tryptophan 1325 with a stop codon.
Molecular consequence: nonsense.
Genome position (GRCh38, 1-based): chr8:99,501,791, G>A. VCF-style: chr8-99501791-G-A. GRCh37 (hg19) VCF-style: chr8-100514019-G-A.
Other names: c.3975G>A, p.Trp1325Ter (NM_017890.5); short protein forms W1325*.
Identifiers: ClinVar variation 3594997 (VCV003594997.2).
Genomic context (GRCh38, chr8:99,501,791, plus strand): 5'-TGTGACCTTGGAACAAACTACAAGTAATATTGGAGGAACCAGTGGACGTGTTAGTTTATG[G>A]ATGCAGTGGGTGCTTCCCAAAATTACTATAAAGCTCTTTGCTCCAGATCCTGAAAATAAA-3'

ClinVar aggregate classification (germline): Likely pathogenic. Review status: criteria provided, multiple submitters, no conflicts (2 of 4 stars). 2 submissions from 2 submitters: Likely pathogenic (2). Last evaluated 2025-12-04.

Conditions:
VPS13B-related disorder. Also called: VPS13B-related condition.
Cohen syndrome (COH1). Also called: Cutis verticis gyrata, retinitis pigmentosa, and sensorineural deafness; PEPPER SYNDROME. Identifiers: Orphanet 193, MedGen C0265223, MONDO:0008999, OMIM 216550.

Submissions (2):

PreventionGenetics, part of Exact Sciences
Classification: Likely pathogenic for VPS13B-related condition. Last evaluated: 2025-12-04. Review status: criteria provided, single submitter. Criteria: ACMG Guidelines, 2015. Collection method: clinical testing. Allele origin: germline.
Comment: The VPS13B c.3975G>A variant is predicted to result in premature protein termination (p.Trp1325*). To our knowledge, this variant has not been reported in the literature. This variant has not been reported in a large population database (gnomAD), indicating this variant is rare. Nonsense variants in VPS13B are expected to be pathogenic. This variant is interpreted as likely pathogenic.

Fulgent Genetics
Classification: Likely pathogenic for Cohen syndrome. Last evaluated: 2024-05-24. Review status: criteria provided, single submitter. Criteria: ACMG Guidelines, 2015. Collection method: clinical testing. Allele origin: germline.